The following is an entry in ClinVar:

ClinVar aggregate classification (germline): Likely pathogenic. Review status: reviewed by expert panel (3 of 4 stars). 3 submissions from 3 submitters: Likely pathogenic (1). 2 of the submissions do not count toward it. Last evaluated 2025-11-19.

Conditions:
CYP1B1-related glaucoma with or without anterior segment dysgenesis. Identifiers: MedGen CN375931, MONDO:0800472.
Glaucoma 3A. Also called: Glaucoma 3, primary congenital, A. Identifiers: Orphanet 98976, Orphanet 98977, MedGen C1856439, MONDO:0009277, OMIM 231300.
Glaucoma 3, primary infantile, B. Also called: GLC3 type B; Primary congenital glaucoma type 3B; Glaucoma primary congenita type 3B; GLC3B; GLAUCOMA, PRIMARY CONGENITAL, TYPE B. Identifiers: Orphanet 98976, MedGen C1832977, MONDO:0010968, OMIM 600975.
Anterior segment dysgenesis 6 (ASGD6). Also called: Anterior segment dysgenesis 6, multiple subtypes. Identifiers: MedGen C4310623, MONDO:0015016, OMIM 617315.

Submissions (3):

ClinGen Glaucoma Variant Curation Expert Panel
Classification: Likely pathogenic for CYP1B1-related glaucoma with or without anterior segment dysgenesis. Last evaluated: 2025-11-19. Review status: reviewed by expert panel. Criteria: ClinGen CYP1B1 ACMG Specifications V1 Approved. Collection method: curation. Allele origin: germline. Inheritance: Autosomal recessive inheritance.
Comment: The c.1536_1541del variant in CYP1B1 is predicted to cause a change in the length of the protein due to an in-frame deletion of 2 amino acids (p.Pro513_Lys514del), meeting PM4. The highest minor allele frequency of this variant was in the European (non-Finnish) genetic ancestry group of gnomAD (v4.1.0) = 0.00003474 (41 alleles out of 1,180,044), which met the ≤ 0.0005 threshold set for PM2_Supporting in a genetic ancestry group of at least 2,000 alleles. There was no computational or functional evidence predicting a damaging or benign impact of this variant on CYP1B1 function. 2 affected segregations with a CYP1B1-related phenotype have been reported (ANZRAG database [E. Souzeau pers. comm.]), which fulfilled PP1_Moderate. This variant has been identified in 4 individuals with a CYP1B1-related phenotype. 3 of these individuals are compound heterozygous for the variant and a pathogenic or likely pathogenic variant (1 confirmed in trans, Baylor Genetics pers. comm. and 2 with phase unknown, PMID: 19234632) and 1 compound heterozygous with a variant of uncertain significance (ANZRAG [E. Souzeau pers. comm.]). Total proband points = 2.25, meeting PM3_Strong. In summary, this variant met the criteria to receive a score of 9 and to be classified as likely pathogenic (likely pathogenic classification range 6 to 9, adapted from PMID: 32720330) for CYP1B1-related glaucoma with or without anterior segment dysgenesis (ASD) based on the ACMG/AMP criteria met, as specified by the ClinGen Glaucoma VCEP (v1.0, 06.11.2025): PM3_Strong, PP1_Moderate, PM4, PM2_Supporting

Fulgent Genetics
Classification: Likely pathogenic for Glaucoma 3A; Glaucoma 3, primary infantile, B; Anterior segment dysgenesis 6. Last evaluated: 2022-03-28. Review status: criteria provided, single submitter. Criteria: ACMG Guidelines, 2015. Collection method: clinical testing. Allele origin: unknown. Not counted in ClinVar's aggregate classification.

Baylor Genetics
Classification: Pathogenic for Glaucoma 3A. Review status: criteria provided, single submitter. Criteria: ACMG Guidelines, 2015. Collection method: clinical testing. Allele origin: germline. Not counted in ClinVar's aggregate classification.

NM_000104.4(CYP1B1):c.1536_1541del (p.Pro513_Lys514del)

Gene: CYP1B1 (cytochrome P450 family 1 subfamily B member 1; minus strand). Cytogenetic location: 2p22.2.
Variant type: Deletion.
Coding change: c.1536_1541del on transcript NM_000104.4 (MANE Select); coding-DNA positions 1536 to 1541, 6 bases deleted (ACCCAA; older notation c.1536_1541delACCCAA).
Protein change: p.Pro513_Lys514del.
Molecular consequence: inframe deletion.
Genome position (GRCh38, 1-based): chr2:38,070,813-38,070,818, TTGGGT deleted on the plus strand (ACCCAA on the coding strand, the reverse complement: CYP1B1 is on the minus strand); deleting any 6 consecutive bases within chr2:38,070,813-38,070,820 gives the same sequence; the c. name uses the placement nearest the transcript's 3' end. VCF-style (leftmost placement, unchanged base first): chr2-38070812-CTTGGGT-C. GRCh37 (hg19) VCF-style: chr2-38297955-CTTGGGT-C.
Other names: NM_000104.4(CYP1B1):c.1536_1541del; p.Pro513_Lys514del.
Identifiers: ClinVar variation 813355 (VCV000813355.2), dbSNP rs751768343, ClinGen allele CA1619762.
Genomic context (GRCh38, chr2:38,070,812, plus strand): 5'-TTGGACAGCACTATCAAGGAGCTCCATGGACTCTCTGAGAGTGACATTGACTTTAAATGA[CTTGGGT>C]TTAATGGTTAGACCATAACTGAAATTCATTTTCGCAGGCTCATTTGGGTTGGCCCTGAAA-3'